The following is an entry in ClinVar:

NM_001197104.2(KMT2A):c.5171C>T (p.Thr1724Ile)

Gene: KMT2A (lysine methyltransferase 2A; plus strand). Cytogenetic location: 11q23.3.
Variant type: single nucleotide variant.
Coding change: c.5171C>T on transcript NM_001197104.2 (MANE Select); coding-DNA position 5171, C replaced by T.
Protein change: p.Thr1724Ile; replaces threonine 1724 with isoleucine.
Molecular consequence: missense variant.
Genome position (GRCh38, 1-based): chr11:118,493,223, C>T. VCF-style: chr11-118493223-C-T. GRCh37 (hg19) VCF-style: chr11-118363938-C-T.
Other names: c.5261C>T, p.Thr1754Ile (NM_001412597.1); c.5162C>T, p.Thr1721Ile (NM_005933.4); short protein forms T1721I, T1724I, T1754I.
Identifiers: ClinVar variation 2642426 (VCV002642426.24), dbSNP rs1555043102, ClinGen allele CA382837279.

ClinVar aggregate classification (germline): Uncertain significance (1 of 4 stars; one submission).

gnomAD v4.1: 1 of 1,613,862 alleles (0.000062%); highest among the groups gnomAD compares: Non-Finnish European, 0.000085%; no homozygotes.

Submission:

CeGaT Center for Human Genetics Tuebingen
Classification: Uncertain significance. Last evaluated: 2022-11-01. Review status: criteria provided, single submitter. Criteria: CeGaT Center For Human Genetics Tuebingen Variant Classification Criteria Version 2. Collection method: clinical testing. Allele origin: germline. Affected: yes. Observed: 1 variant allele.
Comment: KMT2A: PM2, BP4